The following is an entry in ClinVar:

ClinVar aggregate classification (germline): Uncertain significance (1 of 4 stars; one submission).

Conditions:
Cohen syndrome (COH1). Also called: PEPPER SYNDROME; Cutis verticis gyrata, retinitis pigmentosa, and sensorineural deafness. Identifiers: Orphanet 193, MedGen C0265223, MONDO:0008999, OMIM 216550.

Submission:

Labcorp Genetics (formerly Invitae), Labcorp
Classification: Uncertain significance for Cohen syndrome. Last evaluated: 2022-04-28. Review status: criteria provided, single submitter. Criteria: Invitae Variant Classification Sherloc (09022015). Collection method: clinical testing. Allele origin: germline.
Comment: Algorithms developed to predict the effect of sequence changes on RNA splicing suggest that this variant may create or strengthen a splice site. In summary, the available evidence is currently insufficient to determine the role of this variant in disease. Therefore, it has been classified as a Variant of Uncertain Significance. This variant has not been reported in the literature in individuals affected with VPS13B-related conditions. This variant is not present in population databases (gnomAD no frequency). This variant, c.7222_7224del, results in the deletion of 1 amino acid(s) of the VPS13B protein (p.Leu2408del), but otherwise preserves the integrity of the reading frame.

NM_152564.5(VPS13B):c.7147_7149del (p.Leu2383del)

Gene: VPS13B (vacuolar protein sorting 13 homolog B; plus strand). Cytogenetic location: 8q22.2.
Variant type: Deletion.
Coding change: c.7147_7149del on transcript NM_152564.5 (MANE Select); coding-DNA positions 7147 to 7149, 3 bases deleted (TTG; older notation c.7147_7149delTTG).
Protein change: p.Leu2383del; deletes leucine 2383.
Molecular consequence: inframe deletion.
Genome position (GRCh38, 1-based): chr8:99,766,870-99,766,872, TTG deleted; deleting any 3 consecutive bases within chr8:99,766,869-99,766,872 gives the same sequence; the c. name uses the placement nearest the transcript's 3' end. VCF-style (leftmost placement, unchanged base first): chr8-99766868-AGTT-A. GRCh37 (hg19) VCF-style: chr8-100779096-AGTT-A.
Other names: c.7222_7224del, p.Leu2408del (NM_017890.5); short protein forms L2383del, L2408del.
Identifiers: ClinVar variation 1370121 (VCV001370121.6), dbSNP rs2130621539, ClinGen allele CA2573143629.